The following is an entry in ClinVar:

ClinVar aggregate classification (germline): Pathogenic/Likely pathogenic. Review status: criteria provided, multiple submitters, no conflicts (2 of 4 stars). 2 submissions from 2 submitters: Pathogenic (1); Likely pathogenic (1). Last evaluated 2024-07-23.

Conditions:
Autosomal dominant optic atrophy classic form (OPA1). Also called: KJER-TYPE OPTIC ATROPHY; OPTIC ATROPHY, JUVENILE; Optic Atrophy Type 1. Identifiers: Orphanet 98673, MedGen C0338508, MONDO:0008134, OMIM 165500.

Submissions (2):

Institute of Human Genetics, University of Leipzig Medical Center
Classification: Likely pathogenic for Autosomal dominant optic atrophy classic form. Last evaluated: 2024-07-23. Review status: criteria provided, single submitter. Criteria: ACMG Guidelines, 2015. Collection method: clinical testing. Allele origin: unknown. Inheritance: Autosomal dominant inheritance. Affected: yes.
Comment: Criteria applied: PVS1_MOD,PS4_MOD,PS1_SUP,PM2_SUP

Labcorp Genetics (formerly Invitae), Labcorp
Classification: Pathogenic. Last evaluated: 2024-03-07. Review status: criteria provided, single submitter. Criteria: Invitae Variant Classification Sherloc (09022015). Collection method: clinical testing. Allele origin: germline.
Comment: This sequence change affects a donor splice site in intron 25 of the OPA1 gene. It is expected to disrupt RNA splicing. Variants that disrupt the donor or acceptor splice site typically lead to a loss of protein function (PMID: 16199547), and loss-of-function variants in OPA1 are known to be pathogenic (PMID: 11440988, 20157015, 20952381, 25012220). This variant is not present in population databases (gnomAD no frequency). Disruption of this splice site has been observed in individuals with clinical features of autosomal dominant OPA1-related conditions (PMID: 11440989, 20952381). ClinVar contains an entry for this variant (Variation ID: 2627600). Algorithms developed to predict the effect of sequence changes on RNA splicing suggest that this variant may disrupt the consensus splice site. For these reasons, this variant has been classified as Pathogenic.

Literature cited by the submitters: PubMed 16199547 (cited by Labcorp Genetics (formerly Invitae), Labcorp); PubMed 11440988 (cited by Labcorp Genetics (formerly Invitae), Labcorp); PubMed 20157015 (cited by Labcorp Genetics (formerly Invitae), Labcorp); PubMed 20952381 (cited by Labcorp Genetics (formerly Invitae), Labcorp); PubMed 25012220 (cited by Labcorp Genetics (formerly Invitae), Labcorp); PubMed 11440989 (cited by Labcorp Genetics (formerly Invitae), Labcorp).

NM_130837.3(OPA1):c.2778+1G>A

Gene: OPA1 (OPA1 mitochondrial dynamin like GTPase; plus strand). Cytogenetic location: 3q29.
Variant type: single nucleotide variant.
Coding change: c.2778+1G>A on transcript NM_130837.3 (MANE Select); the canonical splice donor site of the intron after coding-DNA position 2778, G replaced by A.
Molecular consequence: splice donor variant.
Genome position (GRCh38, 1-based): chr3:193,664,997, G>A. VCF-style: chr3-193664997-G-A. GRCh37 (hg19) VCF-style: chr3-193382786-G-A.
Other names: c.2241+1G>A (NM_001354664.2); c.2244+1G>A (NM_001354663.2); c.2667+1G>A (NM_130834.3); c.2724+1G>A (NM_130836.3); c.2613+1G>A (NM_015560.3); c.2670+1G>A (NM_130835.3); c.2559+1G>A (NM_130832.3); c.2616+1G>A (NM_130833.3); and 1 more.
Identifiers: ClinVar variation 2627600 (VCV002627600.5), dbSNP rs2475167246, ClinGen allele CA355795716.